The following is an entry in ClinVar:

NM_001258038.2(SPRY1):c.495C>T (p.Asp165=)

Gene: SPRY1 (sprouty RTK signaling antagonist 1; plus strand). Cytogenetic location: 4q28.1.
Variant type: single nucleotide variant.
Coding change: c.495C>T on transcript NM_001258038.2 (MANE Select); coding-DNA position 495, C replaced by T.
Protein change: p.Asp165=; no amino-acid change (aspartic acid 165 retained).
Molecular consequence: synonymous variant.
Genome position (GRCh38, 1-based): chr4:123,402,086, C>T. VCF-style: chr4-123402086-C-T. GRCh37 (hg19) VCF-style: chr4-124323241-C-T.
Other names: c.495C>T, p.Asp165= (NM_001258039.1, NM_001375410.1, NM_005841.3 and 1 more transcripts).
Identifiers: ClinVar variation 3049895 (VCV003049895.2), dbSNP rs775836326, ClinGen allele CA3070916.
Genomic context (GRCh38, chr4:123,402,086, plus strand): 5'-CCCTGGTCATAGGTCTGAAAGGGCAATCCGGACCCAGCCCAAGCAACTGATTGTGGATGA[C>T]TTGAAGGGTTCCTTGAAAGAGGACCTGACACAGCACAAGTTCATTTGTGAACAGTGTGGG-3'
Protein context (NP_001244967.1, residues 155-175): RTQPKQLIVD[Asp165=]LKGSLKEDLT

ClinVar aggregate classification (germline): Likely benign (0 of 4 stars; one submission).

Conditions:
SPRY1-related disorder. Also called: SPRY1-related condition.

Allele frequency attached by ClinVar (database versions not stated): gnomAD exomes 0.00001; ExAC 0.00002; TOPMed 0.00002; gnomAD 0.00003.
gnomAD v4.1: 24 of 1,614,076 alleles (0.0015%); highest among the groups gnomAD compares: Non-Finnish European, 0.002%; no homozygotes.

Submission:

PreventionGenetics, part of Exact Sciences
Classification: Likely benign for SPRY1-related condition. Last evaluated: 2019-07-23. Review status: no assertion criteria provided. Collection method: clinical testing. Allele origin: germline.
Comment: This variant is classified as likely benign based on ACMG/AMP sequence variant interpretation guidelines (Richards et al. 2015 PMID: 25741868, with internal and published modifications).